The following is an entry in ClinVar:

ClinVar aggregate classification (germline): Uncertain significance (1 of 4 stars; one submission).

Conditions:
Epilepsy, idiopathic generalized, susceptibility to, 13. Also called: EPILEPSY, JUVENILE MYOCLONIC, SUSCEPTIBILITY TO, 5. Identifiers: Orphanet 307, Orphanet 64280, MedGen C4013473, MONDO:0012627, OMIM 611136.
Epilepsy, childhood absence 4 (ECA4). Also called: EPILEPSY, CHILDHOOD ABSENCE, SUSCEPTIBILITY TO, 4. Identifiers: Orphanet 307, MedGen C1970160.
Idiopathic generalized epilepsy. Also called: Generalised epilepsy; EIG. Identifiers: MedGen C0270850, MONDO:0005579, OMIM 600669.

Allele frequency attached by ClinVar (database versions not stated): gnomAD exomes below 0.00001.
gnomAD v4.1: 1 of 1,613,180 alleles (0.000062%); highest among the groups gnomAD compares: Admixed American, 0.0017%; no homozygotes.

Submission:

Labcorp Genetics (formerly Invitae), Labcorp
Classification: Uncertain significance for Epilepsy, childhood absence 4; Epilepsy, idiopathic generalized, susceptibility to, 13; Idiopathic generalized epilepsy. Last evaluated: 2020-12-29. Review status: criteria provided, single submitter. Criteria: Invitae Variant Classification Sherloc (09022015). Collection method: clinical testing. Allele origin: germline.
Comment: In summary, the available evidence is currently insufficient to determine the role of this variant in disease. Therefore, it has been classified as a Variant of Uncertain Significance. Algorithms developed to predict the effect of missense changes on protein structure and function (SIFT, PolyPhen-2, Align-GVGD) all suggest that this variant is likely to be tolerated, but these predictions have not been confirmed by published functional studies and their clinical significance is uncertain. This variant has not been reported in the literature in individuals with GABRA1-related conditions. This variant is not present in population databases (ExAC no frequency). This sequence change replaces tyrosine with phenylalanine at codon 187 of the GABRA1 protein (p.Tyr187Phe). The tyrosine residue is highly conserved and there is a small physicochemical difference between tyrosine and phenylalanine.

NM_001127644.2(GABRA1):c.560A>T (p.Tyr187Phe)

Gene: GABRA1 (gamma-aminobutyric acid type A receptor subunit alpha1; plus strand). Cytogenetic location: 5q34.
Variant type: single nucleotide variant.
Coding change: c.560A>T on transcript NM_001127644.2 (MANE Select); coding-DNA position 560, A replaced by T.
Protein change: p.Tyr187Phe; replaces tyrosine 187 with phenylalanine.
Molecular consequence: missense variant.
Genome position (GRCh38, 1-based): chr5:161,882,558, A>T. VCF-style: chr5-161882558-A-T. GRCh37 (hg19) VCF-style: chr5-161309564-A-T.
Other names: c.560A>T, p.Tyr187Phe (NM_000806.5, NM_001127643.2, NM_001127645.2 and 1 more transcripts); short protein forms Y187F.
Identifiers: ClinVar variation 1498838 (VCV001498838.8), dbSNP rs1388847957, ClinGen allele CA362179389.